The following is an entry in ClinVar:

NM_007294.4(BRCA1):c.5A>C (p.Asp2Ala)

Gene: BRCA1 (BRCA1 DNA repair associated; minus strand). Cytogenetic location: 17q21.31.
Variant type: single nucleotide variant.
Coding change: c.5A>C on transcript NM_007294.4 (MANE Select); coding-DNA position 5, A replaced by C.
Protein change: p.Asp2Ala; replaces aspartic acid 2 with alanine.
Molecular consequence: missense variant. On other transcripts: 5 prime UTR variant (1), non-coding transcript variant (1).
Genome position (GRCh38, 1-based): chr17:43,124,092, T>G on the plus strand (A>C on the coding strand, the complement: BRCA1 is on the minus strand). VCF-style: chr17-43124092-T-G. GRCh37 (hg19) VCF-style: chr17-41276109-T-G.
Other names: c.-184A>C (NM_001407571.1, NM_001407853.1, NM_001407879.1 and 46 more transcripts); c.5A>C, p.Asp2Ala (NM_001407581.1, NM_001407582.1, NM_001407583.1 and 193 more transcripts); c.-253A>C (NM_001407694.1, NM_001407724.1, NM_001407727.1 and 11 more transcripts); c.-257A>C (NM_001407695.1, NM_001408465.1); c.-398A>C (NM_001407696.1); c.-282A>C (NM_001407697.1, NM_001407846.1, NM_001407920.1); c.-83A>C (NM_001407698.1, NM_001407732.1, NM_001407736.1 and 23 more transcripts); c.-256A>C (NM_001407725.1, NM_001407730.1, NM_001407734.1 and 22 more transcripts); and 8 more; short protein forms D2A.
Identifiers: ClinVar variation 868683 (VCV000868683.3), dbSNP rs2055745664, ClinGen allele CA10602149.
Genomic context (GRCh38, chr17:43,124,092, plus strand): 5'-AAGATTTTCTGCATAGCATTAATGACATTTTGTACTTCTTCAACGCGAAGAGCAGATAAA[T>G]CCATTTCTTTCTGTTCCAATGAACTTTAACACATTAGAAAAACATATATATATATCTTTT-3'
Protein context (NP_009225.1, residues 1-12): M[Asp2Ala]LSALRVEEVQ

Conditions:
Breast-ovarian cancer, familial, susceptibility to, 1 (BROVCA1). Also called: BRCA1 Hereditary Breast and Ovarian Cancer; OVARIAN CANCER, SUSCEPTIBILITY TO. Identifiers: Orphanet 145, MedGen C2676676, MONDO:0011450, OMIM 604370. Disease mechanism: loss of function.

Submission:

Brotman Baty Institute, University of Washington
No classification provided (evidence only). Condition: Breast-ovarian cancer, familial 1. Review status: no classification provided. Collection method: in vitro. Allele origin: not applicable. Functional consequence: functionally_normal.
ClinVar note: "not provided" was previously submitted as the classification for the variant. However, the classification appeared to be based only on an observation of functional data so it was converted to no classification on 2025-07-30.